The following is an entry in ClinVar:

NM_015015.3(KDM4B):c.436G>A (p.Val146Met)

Gene: KDM4B (lysine demethylase 4B; plus strand). Cytogenetic location: 19p13.3.
Variant type: single nucleotide variant.
Coding change: c.436G>A on transcript NM_015015.3 (MANE Select); coding-DNA position 436, G replaced by A.
Protein change: p.Val146Met; replaces valine 146 with methionine.
Molecular consequence: missense variant.
Genome position (GRCh38, 1-based): chr19:5,047,479, G>A. VCF-style: chr19-5047479-G-A. GRCh37 (hg19) VCF-style: chr19-5047490-G-A.
Other names: c.436G>A, p.Val146Met (NM_001370093.1, NM_001370094.1, NM_001411148.1); short protein forms V146M.
Identifiers: ClinVar variation 2504350 (VCV002504350.2), dbSNP rs2037064539, ClinGen allele CA403491673.

ClinVar aggregate classification (germline): Uncertain significance (1 of 4 stars; one submission).

Allele frequency attached by ClinVar (database versions not stated): gnomAD exomes below 0.00001; gnomAD 0.00001.
gnomAD v4.1: 5 of 1,606,218 alleles (0.00031%); highest among the groups gnomAD compares: South Asian, 0.0011%; no homozygotes.

Submission:

GeneDx
Classification: Uncertain significance. Last evaluated: 2023-11-06. Review status: criteria provided, single submitter. Criteria: GeneDx Variant Classification Process June 2021. Collection method: clinical testing. Allele origin: germline. Affected: yes.
Comment: Not observed at significant frequency in large population cohorts (gnomAD); In silico analysis supports that this missense variant has a deleterious effect on protein structure/function; Has not been previously published as pathogenic or benign to our knowledge